The following is an entry in ClinVar:

NM_033305.3(VPS13A):c.4463dup (p.Tyr1489fs)

Gene: VPS13A (vacuolar protein sorting 13 homolog A; plus strand). Cytogenetic location: 9q21.2.
Variant type: Duplication.
Coding change: c.4463dup on transcript NM_033305.3 (MANE Select); coding-DNA position 4463, one base duplicated (A; older notation c.4463dupA).
Protein change: p.Tyr1489fs; shifts the reading frame from tyrosine 1489.
Molecular consequence: frameshift variant.
Genome position (GRCh38, 1-based): chr9:77,315,303, A duplicated; the last of 3 consecutive A bases (chr9:77,315,301-77,315,303); duplicating any one gives the same sequence. VCF-style (leftmost placement, unchanged base first): chr9-77315300-T-TA. GRCh37 (hg19) VCF-style: chr9-79930216-T-TA.
Other names: c.4346dup, p.Tyr1450fs (NM_001018037.2); c.4463dup, p.Tyr1489fs (NM_001018038.3, NM_015186.4); short protein forms Y1450fs, Y1489fs.
Identifiers: ClinVar variation 5012459 (VCV005012459.1).

ClinVar aggregate classification (germline): Pathogenic (1 of 4 stars; one submission).

Conditions:
VPS13A-related neurodegenerative disease. Also called: ACANTHOCYTOSIS WITH NEUROLOGIC DISORDER; LEVINE-CRITCHLEY SYNDROME; Choreoacanthocytosis; Chorea-acanthocytosis; Choreaacanthocytosis; VPS13A Disease. Identifiers: Orphanet 2388, MedGen C0393576, MONDO:0008695, OMIM 200150.

Submission:

Myriad Genetics, Inc.
Classification: Pathogenic for VPS13A-related neurodegenerative disease. Last evaluated: 2023-11-04. Review status: criteria provided, single submitter. Criteria: Myriad Autosomal Dominant, Autosomal Recessive and X-Linked Classification Criteria (2023). Collection method: clinical testing. Allele origin: unknown.
Comment: NM_033305.2(VPS13A):c.4463dupA(Y1489Vfs*11) is expected to be pathogenic in the context of VPS13A disease. This variant is predicted to lead to an abnormal or absent protein product due to the creation of a premature termination codon in VPS13A, a gene where loss-of-function variants are known to be pathogenic. Please note: this variant was assessed in the context of healthy population screening.